The following is an entry in ClinVar:

NM_007327.4(GRIN1):c.2414C>G (p.Pro805Arg)

Gene: GRIN1 (glutamate ionotropic receptor NMDA type subunit 1; plus strand). Cytogenetic location: 9q34.3.
Variant type: single nucleotide variant.
Coding change: c.2414C>G on transcript NM_007327.4 (MANE Select); coding-DNA position 2414, C replaced by G.
Protein change: p.Pro805Arg; replaces proline 805 with arginine.
Molecular consequence: missense variant.
Genome position (GRCh38, 1-based): chr9:137,163,639, C>G. VCF-style: chr9-137163639-C-G. GRCh37 (hg19) VCF-style: chr9-140058091-C-G.
Other names: c.2414C>G, p.Pro805Arg (NM_000832.7, NM_021569.4); c.2477C>G, p.Pro826Arg (NM_001185090.2, NM_001185091.2, NM_001437330.1 and 1 more transcripts); short protein forms P805R, P826R.
Identifiers: ClinVar variation 4281438 (VCV004281438.7).

ClinVar aggregate classification (germline): Uncertain significance (1 of 4 stars; one submission).

Submission:

CeGaT Center for Human Genetics Tuebingen
Classification: Uncertain significance. Last evaluated: 2025-09-01. Review status: criteria provided, single submitter. Criteria: CeGaT Center For Human Genetics Tuebingen Variant Classification Criteria Version 2. Collection method: clinical testing. Allele origin: germline. Affected: yes. Observed: 1 variant allele.
Comment: GRIN1: PM2, PM5, PP2